The following is an entry in ClinVar:

NM_000059.4(BRCA2):c.8754+2_8754+29del

Gene: BRCA2 (BRCA2 DNA repair associated; plus strand). Cytogenetic location: 13q13.1.
Variant type: Deletion.
Coding change: c.8754+2_8754+29del on transcript NM_000059.4 (MANE Select); the canonical splice donor site of the intron after coding-DNA position 8754 through 29 bases into the intron after coding-DNA position 8754, 28 bases deleted (TGAGAGAGTAAGAGGACATATAATGAGG).
Molecular consequence: splice donor variant.
Genome position (GRCh38, 1-based): chr13:32,376,793-32,376,820, TGAGAGAGTAAGAGGACATATAATGAGG deleted; deleting any 28 consecutive bases within chr13:32,376,788-32,376,820 gives the same sequence; the c. name uses the placement nearest the transcript's 3' end. VCF-style (leftmost placement, unchanged base first): chr13-32376787-TTGAGGTGAGAGAGTAAGAGGACATATAA-T. GRCh37 (hg19) VCF-style: chr13-32950924-TTGAGGTGAGAGAGTAAGAGGACATATAA-T.
Other names: c.8754+2_8754+29del (NM_001432077.1, NM_001406720.1); c.8658+2_8658+29del (NM_001406719.1); c.3822+2_3822+29del (NM_001406721.1); c.2337+2_2337+29del (NM_001406722.1).
Identifiers: ClinVar variation 4734868 (VCV004734868.1).

ClinVar aggregate classification (germline): Likely pathogenic (1 of 4 stars; one submission).

Conditions:
Hereditary breast ovarian cancer syndrome. Also called: BRCA1- and BRCA2-Associated Hereditary Breast and Ovarian Cancer; Breast and ovarian cancer; Hereditary breast and ovarian cancer; Hereditary breast and ovarian cancer syndrome (HBOC); Hereditary breast and ovarian cancer syndrome; Hereditary breast and/or ovarian cancer syndrome. Identifiers: Orphanet 145, MedGen C0677776, MeSH D061325, MONDO:0003582. Disease mechanism: loss of function.

Submission:

Labcorp Genetics (formerly Invitae), Labcorp
Classification: Likely pathogenic for Hereditary breast ovarian cancer syndrome. Last evaluated: 2026-01-07. Review status: criteria provided, single submitter. Criteria: Invitae Variant Classification Sherloc (09022015). Collection method: clinical testing. Allele origin: germline.
Comment: This sequence change affects a splice site in intron 21 of the BRCA2 gene. It is expected to disrupt RNA splicing. Variants that disrupt the donor or acceptor splice site typically lead to a loss of protein function (PMID: 16199547), and loss-of-function variants in BRCA2 are known to be pathogenic (PMID: 20104584). This variant is not present in population databases (gnomAD no frequency). This variant has not been reported in the literature in individuals affected with BRCA2-related conditions. In summary, the currently available evidence indicates that the variant is pathogenic, but additional data are needed to prove that conclusively. Therefore, this variant has been classified as Likely Pathogenic.

Literature cited by the submitters: PubMed 16199547; PubMed 20104584.